The following is an entry in ClinVar:

NM_014319.5(LEMD3):c.263G>T (p.Gly88Val)

Gene: LEMD3 (LEM domain containing 3; plus strand). Cytogenetic location: 12q14.3.
Variant type: single nucleotide variant.
Coding change: c.263G>T on transcript NM_014319.5 (MANE Select); coding-DNA position 263, G replaced by T.
Protein change: p.Gly88Val; replaces glycine 88 with valine.
Molecular consequence: missense variant.
Genome position (GRCh38, 1-based): chr12:65,169,859, G>T. VCF-style: chr12-65169859-G-T. GRCh37 (hg19) VCF-style: chr12-65563639-G-T.
Other names: c.263G>T (NM_014319.4); c.263G>T, p.Gly88Val (NM_001167614.2); short protein forms G88V.
Identifiers: ClinVar variation 2996390 (VCV002996390.4), dbSNP rs780199936, ClinGen allele CA385672336.

ClinVar aggregate classification (germline): Uncertain significance. Review status: criteria provided, multiple submitters, no conflicts (2 of 4 stars). 2 submissions from 2 submitters: Uncertain significance (2). Last evaluated 2025-05-05.

Conditions:
Inborn genetic diseases. Identifiers: MedGen C0950123, MeSH D030342.

Allele frequency attached by ClinVar (database versions not stated): gnomAD exomes 0.00001.
gnomAD v4.1: 20 of 1,459,620 alleles (0.0014%); highest among the groups gnomAD compares: Non-Finnish European, 0.0016%; no homozygotes.

Submissions (2):

Labcorp Genetics (formerly Invitae), Labcorp
Classification: Uncertain significance. Last evaluated: 2025-05-05. Review status: criteria provided, single submitter. Criteria: Invitae Variant Classification Sherloc (09022015). Collection method: clinical testing. Allele origin: germline.
Comment: This sequence change replaces glycine, which is neutral and non-polar, with valine, which is neutral and non-polar, at codon 88 of the LEMD3 protein (p.Gly88Val). This variant is not present in population databases (gnomAD no frequency). This variant has not been reported in the literature in individuals affected with LEMD3-related conditions. ClinVar contains an entry for this variant (Variation ID: 2996390). An algorithm developed to predict the effect of missense changes on protein structure and function (PolyPhen-2) suggests that this variant is likely to be disruptive. In summary, the available evidence is currently insufficient to determine the role of this variant in disease. Therefore, it has been classified as a Variant of Uncertain Significance.

Ambry Genetics
Classification: Uncertain significance for Inborn genetic diseases. Last evaluated: 2024-10-17. Review status: criteria provided, single submitter. Criteria: Ambry Variant Classification Scheme 2023. Collection method: clinical testing. Allele origin: germline.